The following is an entry in ClinVar:

ClinVar aggregate classification (germline): Pathogenic (1 of 4 stars; one submission).

Submission:

Labcorp Genetics (formerly Invitae), Labcorp
Classification: Pathogenic. Last evaluated: 2023-03-12. Review status: criteria provided, single submitter. Criteria: Invitae Variant Classification Sherloc (09022015). Collection method: clinical testing. Allele origin: germline.
Comment: For these reasons, this variant has been classified as Pathogenic. This sequence change creates a premature translational stop signal (p.Cys151Trpfs*16) in the UBR1 gene. It is expected to result in an absent or disrupted protein product. Loss-of-function variants in UBR1 are known to be pathogenic (PMID: 24599544). This variant is present in population databases (rs773670408, gnomAD 0.007%). This variant has not been reported in the literature in individuals affected with UBR1-related conditions.

Literature cited by the submitters: PubMed 24599544.

NM_174916.3(UBR1):c.453_454del (p.Cys151fs)

Gene: UBR1 (ubiquitin protein ligase E3 component n-recognin 1; minus strand). Cytogenetic location: 15q15.2.
Variant type: Microsatellite.
Coding change: c.453_454del on transcript NM_174916.3 (MANE Select); coding-DNA positions 453 to 454, 2 bases deleted (TG; older notation c.453_454delTG).
Protein change: p.Cys151fs; shifts the reading frame from cysteine 151.
Molecular consequence: frameshift variant.
Genome position (GRCh38, 1-based): chr15:43,075,053-43,075,054, CA deleted on the plus strand (TG on the coding strand, the reverse complement: UBR1 is on the minus strand); deleting any 2 consecutive bases within chr15:43,075,053-43,075,056 gives the same sequence; the c. name uses the placement nearest the transcript's 3' end. VCF-style (leftmost placement, unchanged base first): chr15-43075052-CCA-C. GRCh37 (hg19) VCF-style: chr15-43367250-CCA-C.
Other names: short protein forms C151fs.
Identifiers: ClinVar variation 2869664 (VCV002869664.3), dbSNP rs773670408, ClinGen allele CA7519019.